The following is an entry in ClinVar:

ClinVar aggregate classification (germline): Conflicting classifications of pathogenicity. Review status: criteria provided, conflicting classifications (1 of 4 stars). 5 submissions from 5 submitters: Uncertain significance (4); Likely benign (1). Last evaluated 2026-07-01.

Conditions:
Intellectual developmental disorder, autosomal recessive 37. Also called: Intellectual disability-hypotonia-spasticity-sleep disorder syndrome. Identifiers: Orphanet 356996, MedGen C3809672, MONDO:0014210, OMIM 615493.

Allele frequency attached by ClinVar (database versions not stated): TOPMed 0.00003; ExAC 0.00009; gnomAD 0.00005; ESP Exome Variant Server 0.00008; gnomAD exomes 0.00005 and 0.00012.
gnomAD v4.1: 84 of 1,613,666 alleles (0.0052%); highest among the groups gnomAD compares: Non-Finnish European, 0.0069%; no homozygotes.

Submissions (5):

CeGaT Center for Human Genetics Tuebingen
Classification: Likely benign. Last evaluated: 2026-07-01. Review status: criteria provided, single submitter. Criteria: CeGaT Center For Human Genetics Tuebingen Variant Classification Criteria Version 2. Collection method: clinical testing. Allele origin: germline. Affected: yes. Observed: 1 variant allele.
Comment: ANK3: PM2, BS2

Labcorp Genetics (formerly Invitae), Labcorp
Classification: Uncertain significance. Last evaluated: 2025-10-08. Review status: criteria provided, single submitter. Criteria: Invitae Variant Classification Sherloc (09022015). Collection method: clinical testing. Allele origin: germline.
Comment: This sequence change replaces serine, which is neutral and polar, with leucine, which is neutral and non-polar, at codon 4377 of the ANK3 protein (p.Ser4377Leu). This variant is present in population databases (rs201169886, gnomAD 0.02%). This variant has not been reported in the literature in individuals affected with ANK3-related conditions. ClinVar contains an entry for this variant (Variation ID: 930643). An algorithm developed to predict the effect of missense changes on protein structure and function (PolyPhen-2) suggests that this variant is likely to be disruptive. In summary, the available evidence is currently insufficient to determine the role of this variant in disease. Therefore, it has been classified as a Variant of Uncertain Significance.

Department of Human Genetics, Hannover Medical School
Classification: Uncertain significance for Intellectual developmental disorder, autosomal recessive 37. Last evaluated: 2025-05-16. Review status: criteria provided, single submitter. Criteria: ACMG Guidelines, 2015. Collection method: clinical testing. Allele origin: germline. Affected: yes.
Comment: ACMG: BP4_Moderate, PP2

MGZ Medical Genetics Center
Classification: Uncertain significance for Intellectual developmental disorder, autosomal recessive 37. Last evaluated: 2022-05-16. Review status: criteria provided, single submitter. Criteria: ACMG Guidelines, 2015. Collection method: clinical testing. Allele origin: germline. Affected: yes. Observed: 1 variant allele.
Comment: ACMG criteria applied: PM2_SUP

Centre for Mendelian Genomics, University Medical Centre Ljubljana
Classification: Uncertain significance for Intellectual developmental disorder, autosomal recessive 37. Last evaluated: 2019-11-07. Review status: criteria provided, single submitter. Criteria: ACMG Guidelines, 2015. Collection method: clinical testing. Allele origin: unknown. Affected: yes.
Comment: This variant was classified as: Uncertain significance. The available evidence on this variant's pathogenicity is insufficient or conflicting. The following ACMG criteria were applied in classifying this variant: PM2,PP3.

NM_020987.5(ANK3):c.13130C>T (p.Ser4377Leu)

Gene: ANK3 (ankyrin 3; minus strand). Cytogenetic location: 10q21.2.
Variant type: single nucleotide variant.
Coding change: c.13130C>T on transcript NM_020987.5 (MANE Select); coding-DNA position 13130, C replaced by T.
Protein change: p.Ser4377Leu; replaces serine 4377 with leucine.
Molecular consequence: missense variant.
Genome position (GRCh38, 1-based): chr10:60,042,695, G>A on the plus strand (C>T on the coding strand, the complement: ANK3 is on the minus strand). VCF-style: chr10-60042695-G-A. GRCh37 (hg19) VCF-style: chr10-61802453-G-A.
Other names: c.3002C>T, p.Ser1001Leu (NM_001149.4); c.5582C>T, p.Ser1861Leu (NM_001204403.2); c.5603C>T, p.Ser1868Leu (NM_001204404.2); c.5600C>T, p.Ser1867Leu (NM_001320874.2); short protein forms S4377L, S1868L, S1001L, S1861L, S1867L.
Identifiers: ClinVar variation 930643 (VCV000930643.13), dbSNP rs201169886, ClinGen allele CA5510631.